The following is an entry in ClinVar:

NM_001040108.2(MLH3):c.1709C>T (p.Thr570Ile)

Gene: MLH3 (mutL homolog 3; minus strand). Cytogenetic location: 14q24.3.
Variant type: single nucleotide variant.
Coding change: c.1709C>T on transcript NM_001040108.2 (MANE Select); coding-DNA position 1709, C replaced by T.
Protein change: p.Thr570Ile; replaces threonine 570 with isoleucine.
Molecular consequence: missense variant.
Genome position (GRCh38, 1-based): chr14:75,047,947, G>A on the plus strand (C>T on the coding strand, the complement: MLH3 is on the minus strand). VCF-style: chr14-75047947-G-A. GRCh37 (hg19) VCF-style: chr14-75514650-G-A.
Other names: c.1709C>T, p.Thr570Ile (NM_014381.3); short protein forms T570I.
Identifiers: ClinVar variation 3232453 (VCV003232453.2), dbSNP rs2139577851, ClinGen allele CA390444582.
Genomic context (GRCh38, chr14:75,047,947, plus strand): 5'-CAATTGCTAGATTCTTTTTTTTTCTCTTTCTCTGTCTGAGCACTATGTACTCCCCATAAT[G>A]TTGTTGCAAAAGGCAGAGGCTGGCATCCCACTTCAGTAGCATCTTTAAATCTCTTTGGTT-3'
Protein context (NP_001035197.1, residues 560-580): VGCQPLPFAT[Thr570Ile]LWGVHSAQTE

ClinVar aggregate classification (germline): Uncertain significance. Review status: criteria provided, multiple submitters, no conflicts (2 of 4 stars). 2 submissions from 2 submitters: Uncertain significance (2). Last evaluated 2025-08-17.

Conditions:
Colorectal cancer, hereditary nonpolyposis, type 7. Identifiers: Orphanet 144, MedGen C1858380, MONDO:0013725, OMIM 614385.

Submissions (2):

Labcorp Genetics (formerly Invitae), Labcorp
Classification: Uncertain significance for Colorectal cancer, hereditary nonpolyposis, type 7. Last evaluated: 2025-08-17. Review status: criteria provided, single submitter. Criteria: Invitae Variant Classification Sherloc (09022015). Collection method: clinical testing. Allele origin: germline.
Comment: This sequence change replaces threonine, which is neutral and polar, with isoleucine, which is neutral and non-polar, at codon 570 of the MLH3 protein (p.Thr570Ile). This variant is not present in population databases (gnomAD no frequency). This variant has not been reported in the literature in individuals affected with MLH3-related conditions. ClinVar contains an entry for this variant (Variation ID: 3232453). An algorithm developed to predict the effect of missense changes on protein structure and function outputs the following: PolyPhen-2: "Benign". The isoleucine amino acid residue is found in multiple mammalian species, which suggests that this missense change does not adversely affect protein function. In summary, the available evidence is currently insufficient to determine the role of this variant in disease. Therefore, it has been classified as a Variant of Uncertain Significance.

Ambry Genetics
Classification: Uncertain significance. Last evaluated: 2024-02-22. Review status: criteria provided, single submitter. Criteria: Ambry Variant Classification Scheme 2023. Collection method: clinical testing. Allele origin: germline.
Comment: The p.T570I variant (also known as c.1709C>T), located in coding exon 1 of the MLH3 gene, results from a C to T substitution at nucleotide position 1709. The threonine at codon 570 is replaced by isoleucine, an amino acid with similar properties. This amino acid position is conserved. In addition, this alteration is predicted to be tolerated by in silico analysis. Based on the available evidence, the clinical significance of this alteration remains unclear.